The following is an entry in ClinVar:

ClinVar aggregate classification (germline): Uncertain significance. Review status: criteria provided, multiple submitters, no conflicts (2 of 4 stars). 2 submissions from 2 submitters: Uncertain significance (2). Last evaluated 2024-08-28.

Conditions:
Hypertrophic cardiomyopathy. Also called: HYPERTROPHIC MYOCARDIOPATHY. Identifiers: Orphanet 217569, MedGen C0007194, MeSH D002312, MONDO:0005045, HP:0001639.

Submissions (2):

GeneDx
Classification: Uncertain significance. Last evaluated: 2024-08-28. Review status: criteria provided, single submitter. Criteria: GeneDx Variant Classification Process June 2021. Collection method: clinical testing. Allele origin: germline. Affected: yes.
Comment: Not observed at significant frequency in large population cohorts (gnomAD); In silico analysis indicates that this missense variant does not alter protein structure/function; Has not been previously published as pathogenic or benign to our knowledge

Labcorp Genetics (formerly Invitae), Labcorp
Classification: Uncertain significance for Hypertrophic cardiomyopathy. Last evaluated: 2021-04-11. Review status: criteria provided, single submitter. Criteria: Invitae Variant Classification Sherloc (09022015). Collection method: clinical testing. Allele origin: germline.
Comment: In summary, the available evidence is currently insufficient to determine the role of this variant in disease. Therefore, it has been classified as a Variant of Uncertain Significance. Algorithms developed to predict the effect of missense changes on protein structure and function are either unavailable or do not agree on the potential impact of this missense change (SIFT: "Tolerated"; PolyPhen-2: "Possibly Damaging"; Align-GVGD: "Class C15"). This variant has not been reported in the literature in individuals with JPH2-related conditions. The frequency data for this variant in the population databases is considered unreliable, as metrics indicate insufficient coverage at this position in the ExAC database. This sequence change replaces glycine with cysteine at codon 240 of the JPH2 protein (p.Gly240Cys). The glycine residue is weakly conserved and there is a large physicochemical difference between glycine and cysteine.

NM_020433.5(JPH2):c.718G>T (p.Gly240Cys)

Gene: JPH2 (junctophilin 2; minus strand). Cytogenetic location: 20q13.12.
Variant type: single nucleotide variant.
Coding change: c.718G>T on transcript NM_020433.5 (MANE Select); coding-DNA position 718, G replaced by T.
Protein change: p.Gly240Cys; replaces glycine 240 with cysteine.
Molecular consequence: missense variant.
Genome position (GRCh38, 1-based): chr20:44,160,069, C>A on the plus strand (G>T on the coding strand, the complement: JPH2 is on the minus strand). VCF-style: chr20-44160069-C-A. GRCh37 (hg19) VCF-style: chr20-42788709-C-A.
Other names: c.718G>T (NM_020433.4); short protein forms G240C.
Identifiers: ClinVar variation 1449398 (VCV001449398.9), dbSNP rs2145879251, ClinGen allele CA409093827.
Genomic context (GRCh38, chr20:44,160,069, plus strand): 5'-CGTCGCTGGCGCCCGAGCTGAGGTCGCTCTTAAGGAAGCTGACACGGCTGCGCTGGCTAC[C>A]CACGGACGTGCGCGACTCTGCGCGCCGCAGCTTGCCCAGCAGCGCGCCCCGCTGGAAGAG-3'
Protein context (NP_065166.2, residues 230-250): LRRAESRTSV[Gly240Cys]SQRSRVSFLK